The following is an entry in ClinVar:

ClinVar aggregate classification (germline): Likely benign. Review status: criteria provided, multiple submitters, no conflicts (2 of 4 stars). 3 submissions from 3 submitters: Likely benign (3). Last evaluated 2026-06-12.

Conditions:
TBC1D8B-related disorder. Also called: TBC1D8B-related condition.

Submissions (3):

PreventionGenetics, part of Exact Sciences
Classification: Likely benign for TBC1D8B-related condition. Last evaluated: 2026-06-12. Review status: criteria provided, single submitter. Criteria: ACMG Guidelines, 2015. Collection method: clinical testing. Allele origin: germline.
Comment: This variant is classified as likely benign based on ACMG/AMP sequence variant interpretation guidelines (Richards et al. 2015 PMID: 25741868, with internal and published modifications).

Labcorp Genetics (formerly Invitae), Labcorp
Classification: Likely benign. Last evaluated: 2024-12-02. Review status: criteria provided, single submitter. Criteria: Invitae Variant Classification Sherloc (09022015). Collection method: clinical testing. Allele origin: germline.

Ambry Genetics
Classification: Likely benign. Last evaluated: 2023-10-19. Review status: criteria provided, single submitter. Criteria: Ambry Variant Classification Scheme 2023. Collection method: clinical testing. Allele origin: germline.

NM_017752.3(TBC1D8B):c.1289_1290del (p.Val430fs)

Gene: TBC1D8B (TBC1 domain family member 8B; plus strand). Cytogenetic location: Xq22.3.
Variant type: Microsatellite.
Coding change: c.1289_1290del on transcript NM_017752.3 (MANE Select); coding-DNA positions 1289 to 1290, 2 bases deleted (TG; older notation c.1289_1290delTG).
Protein change: p.Val430fs; shifts the reading frame from valine 430.
Molecular consequence: frameshift variant.
Genome position (GRCh38, 1-based): chrX:106,839,393-106,839,394, TG deleted; deleting any 2 consecutive bases within chrX:106,839,391-106,839,394 gives the same sequence; the c. name uses the placement nearest the transcript's 3' end. VCF-style (leftmost placement, unchanged base first): chrX-106839390-CTG-C. GRCh37 (hg19) VCF-style: chrX-106082620-CTG-C.
Other names: c.1289_1290del, p.Val430fs (NM_198881.2); short protein forms V430fs.
Identifiers: ClinVar variation 3174710 (VCV003174710.4), dbSNP rs778011141, ClinGen allele CA10483113.
Genomic context (GRCh38, chrX:106,839,390, plus strand): 5'-CAGAGCCATCTGATAATTTTGAGGTGCAATCTTTGACAAGTCAGAGGGAATGCAGTAAAA[CTG>C]TGAACACTGAAGCCTTAATGACAGTATTTCACCCTCAGAATTTGGAGACTCTTAATTCTA-3'